The following is an entry in ClinVar:

Conditions:
Long QT syndrome 5 (LQT5). Identifiers: Orphanet 101016, Orphanet 768, MedGen C1867904, MONDO:0013372, OMIM 613695.

Submission:

Roden Lab, Vanderbilt University Medical Center
No classification provided (evidence only). Condition: Long QT syndrome 5. Review status: no classification provided. Collection method: in vitro. Allele origin: not applicable. Functional consequence: Effect on ion channel function.
ClinVar note: "not provided" was previously submitted as the classification for the variant. However, the classification appeared to be based only on an observation of functional data so it was converted to no classification on 2025-07-30.

NM_000219.6(KCNE1):c.158T>A (p.Phe53Tyr)

Gene: KCNE1 (potassium voltage-gated channel subfamily E regulatory subunit 1; minus strand). Cytogenetic location: 21q22.12.
Variant type: single nucleotide variant.
Coding change: c.158T>A on transcript NM_000219.6 (MANE Select); coding-DNA position 158, T replaced by A.
Protein change: p.Phe53Tyr; replaces phenylalanine 53 with tyrosine.
Molecular consequence: missense variant.
Genome position (GRCh38, 1-based): chr21:34,449,477, A>T on the plus strand (T>A on the coding strand, the complement: KCNE1 is on the minus strand). VCF-style: chr21-34449477-A-T. GRCh37 (hg19) VCF-style: chr21-35821775-A-T.
Other names: c.158T>A, p.Phe53Tyr (NM_001127668.4, NM_001127669.4, NM_001127670.4 and 4 more transcripts); short protein forms F53Y.
Identifiers: ClinVar variation 3374200 (VCV003374200.2).